The following is an entry in ClinVar:

NM_015275.3(WASHC4):c.1666C>T (p.Arg556Ter)

Gene: WASHC4 (WASH complex subunit 4; plus strand). Cytogenetic location: 12q23.3.
Variant type: single nucleotide variant.
Coding change: c.1666C>T on transcript NM_015275.3 (MANE Select); coding-DNA position 1666, C replaced by T.
Protein change: p.Arg556Ter; replaces arginine 556 with a stop codon.
Molecular consequence: nonsense.
Genome position (GRCh38, 1-based): chr12:105,141,004, C>T. VCF-style: chr12-105141004-C-T. GRCh37 (hg19) VCF-style: chr12-105534782-C-T.
Other names: c.1669C>T, p.Arg557Ter (NM_001293640.2); short protein forms R556*, R557*.
Identifiers: ClinVar variation 4292949 (VCV004292949.1).

ClinVar aggregate classification (germline): Likely pathogenic (1 of 4 stars; one submission).

Conditions:
Intellectual developmental disorder, autosomal recessive 43. Also called: Intellectual disability, autosomal recessive 43. Identifiers: Orphanet 88616, MedGen C4014386, MONDO:0014354, OMIM 615817.

gnomAD v4.1: 6 of 1,614,072 alleles (0.00037%); highest among the groups gnomAD compares: South Asian, 0.0011%; no homozygotes.

Submission:

3billion
Classification: Likely pathogenic for Intellectual developmental disorder, autosomal recessive 43. Last evaluated: 2024-11-15. Review status: criteria provided, single submitter. Criteria: ACMG Guidelines, 2015. Collection method: clinical testing. Allele origin: germline. Affected: yes.
Comment: The variant is observed at an extremely low frequency in the gnomAD v4.1.0 dataset (total allele frequency: <0.001%). Predicted Consequence/Location: Stop-gained (nonsense): predicted to result in a loss or disruption of normal protein function through nonsense-mediated decay (NMD) or protein truncation. Multiple pathogenic variants are reported downstream of the variant. Therefore, this variant is classified as Likely pathogenic according to the recommendation of ACMG/AMP guideline.